The following is an entry in ClinVar:

ClinVar aggregate classification (germline): Pathogenic. Review status: criteria provided, single submitter (1 of 4 stars). 2 submissions from 2 submitters: Pathogenic (1). 1 of the submissions does not count toward it. Last evaluated 2023-12-22.

Conditions:
Auditory neuropathy. Identifiers: MedGen C1852271, MONDO:0021944.
Autosomal recessive nonsyndromic hearing loss 9. Also called: NEUROSENSORY NONSYNDROMIC RECESSIVE DEAFNESS 9; OTOF-Related Hearing Loss; Deafness, autosomal recessive 9; AUDITORY NEUROPATHY, AUTOSOMAL RECESSIVE, 1, TEMPERATURE-SENSITIVE. Identifiers: Orphanet 90636, MedGen C1832828, MONDO:0010986, OMIM 601071.

gnomAD v4.1: 1 of 1,599,276 alleles (0.000063%); no homozygotes.

Submissions (2):

WangQJ Lab, Chinese People's Liberation Army General Hospital
Classification: Pathogenic for Auditory neuropathy. Last evaluated: 2023-12-22. Review status: criteria provided, single submitter. Criteria: Submitter's publication. Collection method: research. Allele origin: germline. Affected: yes. Observed: 1 variant allele.

Diagnosis and Treatment Center of Genetic Hearing Loss, Eye & ENT Hospital of Fudan University
Classification: Pathogenic for Autosomal recessive nonsyndromic hearing loss 9. Last evaluated: 2026-02-04. Review status: no assertion criteria provided. Collection method: clinical testing. Allele origin: germline. Inheritance: Autosomal recessive inheritance. Affected: yes. Not counted in ClinVar's aggregate classification.
Comment: The c.2377G>T nonsense variant in OTOF leads to a premature stop codon and predicted NMD (PVS1). It is absent from population databases (PM2_Supporting). It has been reported in two patients in trans with pathogenic c.765+1G>C (PM3). The phenotype is consistent (PP4). (PMID: 34424407, 26818607)

Literature cited by the submitters: PubMed 34424407 (cited by Diagnosis and Treatment Center of Genetic Hearing Loss, Eye & ENT Hospital of Fudan University); PubMed 26818607 (cited by Diagnosis and Treatment Center of Genetic Hearing Loss, Eye & ENT Hospital of Fudan University).

NM_194248.3(OTOF):c.2377G>T (p.Glu793Ter)

Gene: OTOF (otoferlin; minus strand). Cytogenetic location: 2p23.3.
Variant type: single nucleotide variant.
Coding change: c.2377G>T on transcript NM_194248.3 (MANE Select); coding-DNA position 2377, G replaced by T.
Protein change: p.Glu793Ter; replaces glutamic acid 793 with a stop codon.
Molecular consequence: nonsense.
Genome position (GRCh38, 1-based): chr2:26,477,445, C>A on the plus strand (G>T on the coding strand, the complement: OTOF is on the minus strand). VCF-style: chr2-26477445-C-A. GRCh37 (hg19) VCF-style: chr2-26700313-C-A.
Other names: c.2377G>T, p.Glu793Ter (NM_001287489.2); c.136G>T, p.Glu46Ter (NM_004802.4, NM_194323.3); c.307G>T, p.Glu103Ter (NM_194322.3); short protein forms E103*, E46*, E793*.
Identifiers: ClinVar variation 2683872 (VCV002683872.2), dbSNP rs1665364799, ClinGen allele CA346123167.